The following is an entry in ClinVar:

ClinVar aggregate classification (germline): Likely pathogenic. Review status: criteria provided, single submitter (1 of 4 stars). 2 submissions from 2 submitters: Likely pathogenic (1). 1 of the submissions does not count toward it. Last evaluated 2023-03-02.

Conditions:
Schimke immuno-osseous dysplasia (SIOD). Also called: Schimke Immunoosseous Dysplasia. Identifiers: Orphanet 1830, MedGen C0877024, MONDO:0009458, OMIM 242900.

Allele frequency attached by ClinVar (database versions not stated): gnomAD exomes below 0.00001; gnomAD 0.00001; TOPMed 0.00001.

Submissions (2):

Centre of Medical Genetics, University Hospital Muenster
Classification: Likely pathogenic. Last evaluated: 2023-03-02. Review status: criteria provided, single submitter. Criteria: ACMG Guidelines, 2015. Collection method: clinical testing. Allele origin: unknown. Affected: yes. Observed: 1 variant allele, 1 heterozygote.
Comment: ACMG categories: PM1,PM2,PM4

Bioscientia Institut fuer Medizinische Diagnostik GmbH, Sonic Healthcare
Classification: Likely pathogenic for Schimke immuno-osseous dysplasia. Last evaluated: 2017-09-18. Review status: no assertion criteria provided. Collection method: clinical testing. Allele origin: germline. Affected: yes. Not counted in ClinVar's aggregate classification.

NM_014140.4(SMARCAL1):c.1384_1389dup (p.Leu462_Gly463dup)

Gene: SMARCAL1 (SNF2 related chromatin remodeling annealing helicase 1; plus strand). Cytogenetic location: 2q35.
Variant type: Duplication.
Coding change: c.1384_1389dup on transcript NM_014140.4 (MANE Select); coding-DNA positions 1384 to 1389, 6 bases duplicated (CTGGGG; older notation c.1384_1389dupCTGGGG).
Protein change: p.Leu462_Gly463dup.
Molecular consequence: inframe insertion.
Genome position (GRCh38, 1-based): chr2:216,432,767-216,432,772, CTGGGG duplicated. VCF-style (leftmost placement, unchanged base first): chr2-216432766-C-CCTGGGG. GRCh37 (hg19) VCF-style: chr2-217297489-C-CCTGGGG.
Other names: c.1384_1389dup, p.Leu462_Gly463dup (NM_001127207.2); c.1384_1389dupCTGGGG (NM_014140.3).
Identifiers: ClinVar variation 522487 (VCV000522487.4), dbSNP rs1553526162, ClinGen allele CA658796172.